The following is an entry in ClinVar:

ClinVar aggregate classification (germline): Conflicting classifications of pathogenicity. Review status: criteria provided, conflicting classifications (1 of 4 stars). 13 submissions from 13 submitters: Uncertain significance (1); Benign (2); Likely benign (5). 5 of the submissions do not count toward it. Last evaluated 2026-01-28.

Conditions:
Hereditary hyperinsulinism.
Monogenic diabetes. Identifiers: Orphanet 183625, MedGen C3888631, MONDO:0015967.
Hyperinsulinemic hypoglycemia, familial, 1 (HHF1). Also called: Persistent hyperinsulinemic hypoglycemia of infancy; Persistent Hyperinsulinemia Hypoglycemia of Infancy; HYPERINSULINISM, FAMILIAL, WITH PANCREATIC NESIDIOBLASTOSIS; HYPOGLYCEMIA, HYPERINSULINEMIC, OF INFANCY; NESIDIOBLASTOSIS OF PANCREAS. Identifiers: Orphanet 276575, Orphanet 276598, MedGen C2931832, MONDO:0009734, OMIM 256450.

Allele frequency attached by ClinVar (database versions not stated): gnomAD exomes 0.00069; ExAC 0.00082; 1000 Genomes Project 0.00200; 1000 Genomes Project 30x 0.00219; gnomAD 0.00252 and 0.00272; TOPMed 0.00306; ESP Exome Variant Server 0.00362.
gnomAD v4.1: 801 of 1,613,976 alleles (0.05%); highest among the groups gnomAD compares: African/African-American, 0.92%; 5 homozygotes.

Submissions (13):

Labcorp Genetics (formerly Invitae), Labcorp
Classification: Likely benign. Last evaluated: 2026-01-28. Review status: criteria provided, single submitter. Criteria: Invitae Variant Classification Sherloc (09022015). Collection method: clinical testing. Allele origin: germline.

Blueprint Genetics
Classification: Uncertain significance. Last evaluated: 2024-10-08. Review status: criteria provided, single submitter. Criteria: ACMG Guidelines, 2015. Collection method: clinical testing. Allele origin: germline.

Women's Health and Genetics/Laboratory Corporation of America, LabCorp
Classification: Likely benign. Last evaluated: 2024-10-04. Review status: criteria provided, single submitter. Criteria: LabCorp Variant Classification Summary - May 2015. Collection method: clinical testing. Allele origin: germline.
Comment: Variant summary: ABCC8 c.1858C>T (p.Arg620Cys) results in a non-conservative amino acid change in the encoded protein sequence. Four of five in-silico tools predict a damaging effect of the variant on protein function. The variant allele was found at a frequency of 0.0005 in 1607004 control chromosomes, predominantly at a frequency of 0.0092 within the African or African-American subpopulation in the gnomAD database, including 5 homozygotes. The observed variant frequency within African or African-American control individuals in the gnomAD database is approximately 2.74 fold of the estimated maximal expected allele frequency for a pathogenic variant in ABCC8 causing Familial Hyperinsulinism phenotype (0.0034). The variant, c.1858C>T, has been reported in the literature in individuals affected with diabetes, including adult-onset type 2 diabetes and gestational diabetes (e.g. Lang_2010, Riveleine_2012, Doddabelavangala Mruthyunjaya_2017), and in a child with Congenital Hyperinsulinism, who also carried a second pathogenic variant (Snider_2013), however no supportive evidence for causality was provided. These report(s) do not provide unequivocal conclusions about association of the variant with Familial Hyperinsulinism. To our knowledge, no experimental evidence demonstrating an impact on protein function has been reported. The following publications have been ascertained in the context of this evaluation (PMID: 28095440, 23226049, 22210575, 23275527). ClinVar contains an entry for this variant (Variation ID: 210071). Based on the evidence outlined above, the variant was classified as likely benign.

ARUP Laboratories, Molecular Genetics and Genomics, ARUP Laboratories
Classification: Likely benign. Last evaluated: 2023-11-22. Review status: criteria provided, single submitter. Criteria: ARUP Molecular Germline Variant Investigation Process 2024. Collection method: clinical testing. Allele origin: germline.

Mendelics
Classification: Benign for Hyperinsulinemic hypoglycemia, familial, 1. Last evaluated: 2023-08-22. Review status: criteria provided, single submitter. Criteria: Mendelics Assertion Criteria 2019. Collection method: clinical testing. Allele origin: germline.

GeneDx
Classification: Likely benign. Last evaluated: 2021-05-03. Review status: criteria provided, single submitter. Criteria: GeneDx Variant Classification Process June 2021. Collection method: clinical testing. Allele origin: germline. Affected: yes.
Comment: This variant is associated with the following publications: (PMID: 31604004, 23275527, 28095440, 22995991, 22210575, 20849526, 10204114, 20981092, 23771920)

Personalized Diabetes Medicine Program, University of Maryland School of Medicine
Classification: Benign for Monogenic diabetes. Last evaluated: 2018-12-07. Review status: criteria provided, single submitter. Criteria: ACMG Guidelines, 2015. Collection method: research. Allele origin: unknown. Observed: 1 variant allele, 1 heterozygote.
Comment: ACMG criteria: BS2 (23 cases and 24 controls in an online resource) + BS1 (0.9% MAF in gnomAD African pop) = benign (REVEL 0.445 + PP3/8 predictors + BP4/2 predictors = conflicting evidence, not using). Reported to cause HI of infancy (AR) in summary table in PMID 23226049

Genetic Services Laboratory, University of Chicago
Classification: Likely benign. Last evaluated: 2015-03-19. Review status: criteria provided, single submitter. Criteria: ACMG Guidelines, 2015. Collection method: clinical testing. Allele origin: germline.

Natera, Inc.
Classification: Benign for Hereditary hyperinsulinism. Last evaluated: 2019-12-24. Review status: no assertion criteria provided. Collection method: clinical testing. Allele origin: germline. Not counted in ClinVar's aggregate classification.

Counsyl
Classification: Uncertain significance for Hyperinsulinemic hypoglycemia, familial, 1. Last evaluated: 2018-01-05. Review status: no assertion criteria provided. Collection method: clinical testing. Allele origin: unknown. Not counted in ClinVar's aggregate classification.

Department of Pathology and Laboratory Medicine, Sinai Health System
Classification: Uncertain significance. Review status: no assertion criteria provided. Collection method: clinical testing. Allele origin: unknown. Affected: yes. Study: The Canadian Open Genetics Repository (COGR). Not counted in ClinVar's aggregate classification.
Comment: The ABCC8 p.Arg620Cys variant was identified in 2 of 378 proband chromosomes (frequency: 0.0053) from individuals or families with Maturity Onset Diabetes of the Young (MODY) or Type 2 diabetes (Doddabelavangala_2017_PMID:28095440; Riveline_2012_PMID:22210575). The variant was also identified in dbSNP (ID: rs58241708), ClinVar (classified as likely benign by Genetic Services Laboratory, University of Chicago and as a VUS by Counsyl) and LOVD 3.0. The variant was identified in control databases in 253 of 282492 chromosomes (1 homozygous) at a frequency of 0.000896 increasing the likelihood this could be a low frequency benign variant (Genome Aggregation Database Feb 27, 2017). The variant was observed in the following populations: African in 231 of 24964 chromosomes (freq: 0.009253), Latino in 10 of 35424 chromosomes (freq: 0.000282), Other in 2 of 7222 chromosomes (freq: 0.000277), Ashkenazi Jewish in 2 of 10360 chromosomes (freq: 0.000193), South Asian in 5 of 30616 chromosomes (freq: 0.000163) and European (non-Finnish) in 3 of 129052 chromosomes (freq: 0.000023), while the variant was not observed in the East Asian or European (Finnish) populations. The p.Arg620 residue is not conserved in mammals and computational analyses (PolyPhen-2, SIFT, AlignGVGD, BLOSUM, MutationTaster) provide inconsistent predictions regarding the impact to the protein; this information is not very predictive of pathogenicity. The variant occurs outside of the splicing consensus sequence and in silico or computational prediction software programs (SpliceSiteFinder, MaxEntScan, NNSPLICE, GeneSplicer) do not predict a difference in splicing. In summary, based on the above information the clinical significance of this variant cannot be determined with certainty at this time. This variant is classified as a variant of uncertain significance.

Diagnostic Laboratory, Department of Genetics, University Medical Center Groningen
Classification: Likely benign. Review status: no assertion criteria provided. Collection method: clinical testing. Allele origin: germline. Affected: yes. Study: VKGL Data-share Consensus. Not counted in ClinVar's aggregate classification.

Laboratory of Diagnostic Genome Analysis, Leiden University Medical Center (LUMC)
Classification: Likely benign. Review status: no assertion criteria provided. Collection method: clinical testing. Allele origin: germline. Affected: yes. Study: VKGL Data-share Consensus. Not counted in ClinVar's aggregate classification.

Literature cited by the submitters: PubMed 10204114 (cited by Women's Health and Genetics/Laboratory Corporation of America, LabCorp and Counsyl); PubMed 10720932 (cited by Women's Health and Genetics/Laboratory Corporation of America, LabCorp); PubMed 10685979 (cited by Women's Health and Genetics/Laboratory Corporation of America, LabCorp); PubMed 16416420 (cited by Women's Health and Genetics/Laboratory Corporation of America, LabCorp); PubMed 17236890 (cited by Women's Health and Genetics/Laboratory Corporation of America, LabCorp); PubMed 10828824 (cited by Women's Health and Genetics/Laboratory Corporation of America, LabCorp); PubMed 10685980 (cited by Women's Health and Genetics/Laboratory Corporation of America, LabCorp); PubMed 23275527 (cited by Women's Health and Genetics/Laboratory Corporation of America, LabCorp and Counsyl); PubMed 22210575 (cited by 3 submitters); PubMed 28095440 (cited by Women's Health and Genetics/Laboratory Corporation of America, LabCorp and Counsyl); PubMed 23226049 (cited by Women's Health and Genetics/Laboratory Corporation of America, LabCorp and Personalized Diabetes Medicine Program, University of Maryland School of Medicine); PubMed 23771920 (cited by Counsyl).

NM_000352.6(ABCC8):c.1858C>T (p.Arg620Cys)

Gene: ABCC8 (ATP binding cassette subfamily C member 8; minus strand). Cytogenetic location: 11p15.1.
Variant type: single nucleotide variant.
Coding change: c.1858C>T on transcript NM_000352.6 (MANE Select); coding-DNA position 1858, C replaced by T.
Protein change: p.Arg620Cys; replaces arginine 620 with cysteine.
Molecular consequence: missense variant. On other transcripts: non-coding transcript variant (1).
Genome position (GRCh38, 1-based): chr11:17,428,630, G>A on the plus strand (C>T on the coding strand, the complement: ABCC8 is on the minus strand). VCF-style: chr11-17428630-G-A. GRCh37 (hg19) VCF-style: chr11-17450177-G-A.
Other names: c.1858C>T, p.Arg620Cys (NM_001287174.3, NM_001351295.2); c.1855C>T, p.Arg619Cys (NM_001351296.2, NM_001351297.2); short protein forms R620C, R619C.
Identifiers: ClinVar variation 210071 (VCV000210071.30), dbSNP rs58241708, ClinGen allele CA206924.